The following is an entry in ClinVar:

ClinVar aggregate classification (germline): Uncertain significance (1 of 4 stars; one submission).

Submission:

Labcorp Genetics (formerly Invitae), Labcorp
Classification: Uncertain significance. Last evaluated: 2022-02-05. Review status: criteria provided, single submitter. Criteria: Invitae Variant Classification Sherloc (09022015). Collection method: clinical testing. Allele origin: germline.
Comment: Advanced modeling of protein sequence and biophysical properties (such as structural, functional, and spatial information, amino acid conservation, physicochemical variation, residue mobility, and thermodynamic stability) performed at Invitae indicates that this missense variant is expected to disrupt CABP4 protein function. ClinVar contains an entry for this variant (Variation ID: 1039397). This variant has not been reported in the literature in individuals affected with CABP4-related conditions. This variant is not present in population databases (gnomAD no frequency). This sequence change replaces glutamic acid, which is acidic and polar, with lysine, which is basic and polar, at codon 189 of the CABP4 protein (p.Glu189Lys). In summary, the available evidence is currently insufficient to determine the role of this variant in disease. Therefore, it has been classified as a Variant of Uncertain Significance.

NM_145200.5(CABP4):c.565G>A (p.Glu189Lys)

Gene: CABP4 (calcium binding protein 4; plus strand). Cytogenetic location: 11q13.2.
Variant type: single nucleotide variant.
Coding change: c.565G>A on transcript NM_145200.5 (MANE Select); coding-DNA position 565, G replaced by A.
Protein change: p.Glu189Lys; replaces glutamic acid 189 with lysine.
Molecular consequence: missense variant. On other transcripts: non-coding transcript variant (1).
Genome position (GRCh38, 1-based): chr11:67,457,596, G>A. VCF-style: chr11-67457596-G-A. GRCh37 (hg19) VCF-style: chr11-67225067-G-A.
Other names: c.250G>A, p.Glu84Lys (NM_001300895.3, NM_001300896.3, NM_001379183.1); short protein forms E189K, E84K.
Identifiers: ClinVar variation 1039397 (VCV001039397.8), dbSNP rs1864861437, ClinGen allele CA381531328.